The following is an entry in ClinVar:

ClinVar aggregate classification (germline): Uncertain significance. Review status: criteria provided, multiple submitters, no conflicts (2 of 4 stars). 3 submissions from 3 submitters: Uncertain significance (3). Last evaluated 2025-08-20.

Conditions:
Hereditary cancer-predisposing syndrome. Also called: Hereditary neoplastic syndrome; Neoplastic Syndromes, Hereditary; Tumor predisposition; Hereditary Cancer Syndrome. Identifiers: Orphanet 140162, MedGen C0027672, MeSH D009386, MONDO:0015356.
Rhabdomyosarcoma, embryonal, 2 (RMSE2). Identifiers: MedGen C1867234, MONDO:0859046, OMIM 180295.
Euthyroid goiter (MNG1). Also called: Goiter, multinodular 1, with or without Sertoli-Leydig cell tumors; GOITER, NONTOXIC, WITH INTRATHYROIDAL CALCIFICATION; MULTINODULAR GOITER, ADOLESCENT; SIMPLE GOITER. Identifiers: Orphanet 276399, MedGen C0302859, MONDO:0007681, OMIM 138800, HP:0009798.
Pleuropulmonary blastoma (PPB). Identifiers: Orphanet 64742, MedGen C1266144, MONDO:0011014, OMIM 601200, HP:0100528.
Global developmental delay - lung cysts - overgrowth - Wilms tumor syndrome. Also called: GLOW Syndrome; GLOBAL DEVELOPMENTAL DELAY, LUNG CYSTS, OVERGROWTH, AND WILMS TUMOR. Identifiers: Orphanet 404476, MedGen C4748924, MONDO:0018445, OMIM 618272.
DICER1-related tumor predisposition. Also called: DICER1-related pleuropulmonary blastoma cancer predisposition syndrome; DICER1 syndrome. Identifiers: Orphanet 284343, MedGen C3839822, MONDO:0100216.

Submissions (3):

Ambry Genetics
Classification: Uncertain significance for Hereditary cancer-predisposing syndrome. Last evaluated: 2025-08-20. Review status: criteria provided, single submitter. Criteria: Ambry Variant Classification Scheme 2023. Collection method: clinical testing. Allele origin: germline.
Comment: The p.N126S variant (also known as c.377A>G), located in coding exon 3 of the DICER1 gene, results from an A to G substitution at nucleotide position 377. The asparagine at codon 126 is replaced by serine, an amino acid with highly similar properties. This amino acid position is poorly conserved in available vertebrate species. In addition, this alteration is predicted to be tolerated by in silico analysis. Since supporting evidence is limited at this time, the clinical significance of this alteration remains unclear.

Labcorp Genetics (formerly Invitae), Labcorp
Classification: Uncertain significance for DICER1-related tumor predisposition. Last evaluated: 2025-05-05. Review status: criteria provided, single submitter. Criteria: Invitae Variant Classification Sherloc (09022015). Collection method: clinical testing. Allele origin: germline.
Comment: This sequence change replaces asparagine, which is neutral and polar, with serine, which is neutral and polar, at codon 126 of the DICER1 protein (p.Asn126Ser). This variant is not present in population databases (gnomAD no frequency). This variant has not been reported in the literature in individuals affected with DICER1-related conditions. ClinVar contains an entry for this variant (Variation ID: 412055). Invitae Evidence Modeling of protein sequence and biophysical properties (such as structural, functional, and spatial information, amino acid conservation, physicochemical variation, residue mobility, and thermodynamic stability) indicates that this missense variant is not expected to disrupt DICER1 protein function with a negative predictive value of 95%. In summary, the available evidence is currently insufficient to determine the role of this variant in disease. Therefore, it has been classified as a Variant of Uncertain Significance.

Fulgent Genetics
Classification: Uncertain significance for Euthyroid goiter; Rhabdomyosarcoma, embryonal, 2; Pleuropulmonary blastoma; Global developmental delay - lung cysts - overgrowth - Wilms tumor syndrome. Last evaluated: 2024-01-17. Review status: criteria provided, single submitter. Criteria: ACMG Guidelines, 2015. Collection method: clinical testing. Allele origin: germline.

NM_177438.3(DICER1):c.377A>G (p.Asn126Ser)

Gene: DICER1 (dicer 1, ribonuclease III; minus strand). Cytogenetic location: 14q32.13.
Variant type: single nucleotide variant.
Coding change: c.377A>G on transcript NM_177438.3 (MANE Select); coding-DNA position 377, A replaced by G.
Protein change: p.Asn126Ser; replaces asparagine 126 with serine.
Molecular consequence: missense variant.
Genome position (GRCh38, 1-based): chr14:95,131,570, T>C on the plus strand (A>G on the coding strand, the complement: DICER1 is on the minus strand). VCF-style: chr14-95131570-T-C. GRCh37 (hg19) VCF-style: chr14-95597907-T-C.
Other names: c.377A>G, p.Asn126Ser (NM_001195573.1, NM_001271282.3, NM_001291628.2 and 1 more transcripts); short protein forms N126S.
Identifiers: ClinVar variation 412055 (VCV000412055.19), dbSNP rs1060503593, ClinGen allele CA16614290.